The following is an entry in ClinVar:

NM_130810.4(DNAAF4):c.514C>A (p.Gln172Lys)

Genes: DNAAF4 (dynein axonemal assembly factor 4; minus strand), DNAAF4-CCPG1 (DNAAF4-CCPG1 readthrough (NMD candidate); minus strand). Cytogenetic location: 15q21.3.
Variant type: single nucleotide variant.
Coding change: c.514C>A on transcript NM_130810.4 (MANE Select); coding-DNA position 514, C replaced by A.
Protein change: p.Gln172Lys; replaces glutamine 172 with lysine.
Molecular consequence: missense variant. On other transcripts: non-coding transcript variant (1).
Genome position (GRCh38, 1-based): chr15:55,467,053, G>T on the plus strand (C>A on the coding strand, the complement: DNAAF4 is on the minus strand). VCF-style: chr15-55467053-G-T. GRCh37 (hg19) VCF-style: chr15-55759251-G-T.
Other names: c.514C>A, p.Gln172Lys (NM_001033559.3, NM_001033560.2); short protein forms Q172K.
Identifiers: ClinVar variation 3710649 (VCV003710649.2).
Genomic context (GRCh38, chr15:55,467,053, plus strand): 5'-TTTCTTCTTTAATTTGCTTTTCTTTTTGACATAATTTCTCTTCTCTCTGAATTTTTTTTT[G>T]CTCCTCAGCTTTTCTTTGATATTCTTTCCAGGCTTCCAATGCTTTAGTGGCTTTTATCCG-3'
Protein context (NP_570722.2, residues 162-182): WKEYQRKAEE[Gln172Lys]KKIQREEKLC

ClinVar aggregate classification (germline): Uncertain significance (1 of 4 stars; one submission).

Submission:

Labcorp Genetics (formerly Invitae), Labcorp
Classification: Uncertain significance. Last evaluated: 2024-10-17. Review status: criteria provided, single submitter. Criteria: Invitae Variant Classification Sherloc (09022015). Collection method: clinical testing. Allele origin: germline.
Comment: This sequence change replaces glutamine, which is neutral and polar, with lysine, which is basic and polar, at codon 172 of the DNAAF4 protein (p.Gln172Lys). The frequency data for this variant in the population databases is considered unreliable, as metrics indicate poor data quality at this position in the gnomAD database. This variant has not been reported in the literature in individuals affected with DNAAF4-related conditions. Invitae Evidence Modeling of protein sequence and biophysical properties (such as structural, functional, and spatial information, amino acid conservation, physicochemical variation, residue mobility, and thermodynamic stability) indicates that this missense variant is not expected to disrupt DNAAF4 protein function with a negative predictive value of 80%. In summary, the available evidence is currently insufficient to determine the role of this variant in disease. Therefore, it has been classified as a Variant of Uncertain Significance.